The following is an entry in ClinVar:

ClinVar aggregate classification (germline): Conflicting classifications of pathogenicity. Review status: criteria provided, conflicting classifications (1 of 4 stars). 2 submissions from 2 submitters: Uncertain significance (1); Likely benign (1). Last evaluated 2026-07-30.

Conditions:
Renal cell carcinoma. Identifiers: Orphanet 217071, MedGen C0007134, MeSH D002292, MONDO:0005086, HP:0005584.
Hereditary cancer-predisposing syndrome. Also called: Hereditary Cancer Syndrome; Hereditary neoplastic syndrome; Neoplastic Syndromes, Hereditary; Tumor predisposition. Identifiers: Orphanet 140162, MedGen C0027672, MeSH D009386, MONDO:0015356.

Submissions (2):

Ambry Genetics
Classification: Likely benign for Hereditary cancer-predisposing syndrome. Last evaluated: 2026-07-30. Review status: criteria provided, single submitter. Criteria: Ambry Variant Classification Scheme 2023. Collection method: clinical testing. Allele origin: germline.

Labcorp Genetics (formerly Invitae), Labcorp
Classification: Uncertain significance for Renal cell carcinoma. Last evaluated: 2023-10-03. Review status: criteria provided, single submitter. Criteria: Invitae Variant Classification Sherloc (09022015). Collection method: clinical testing. Allele origin: germline.
Comment: This sequence change replaces isoleucine, which is neutral and non-polar, with phenylalanine, which is neutral and non-polar, at codon 446 of the MET protein (p.Ile446Phe). This variant is not present in population databases (gnomAD no frequency). This variant has not been reported in the literature in individuals affected with MET-related conditions. ClinVar contains an entry for this variant (Variation ID: 1770242). Advanced modeling of protein sequence and biophysical properties (such as structural, functional, and spatial information, amino acid conservation, physicochemical variation, residue mobility, and thermodynamic stability) performed at Invitae indicates that this missense variant is not expected to disrupt MET protein function. In summary, the available evidence is currently insufficient to determine the role of this variant in disease. Therefore, it has been classified as a Variant of Uncertain Significance.

NM_000245.4(MET):c.1336A>T (p.Ile446Phe)

Gene: MET (MET proto-oncogene, receptor tyrosine kinase; plus strand). Cytogenetic location: 7q31.2.
Variant type: single nucleotide variant.
Coding change: c.1336A>T on transcript NM_000245.4 (MANE Select); coding-DNA position 1336, A replaced by T.
Protein change: p.Ile446Phe; replaces isoleucine 446 with phenylalanine.
Molecular consequence: missense variant.
Genome position (GRCh38, 1-based): chr7:116,731,803, A>T. VCF-style: chr7-116731803-A-T. GRCh37 (hg19) VCF-style: chr7-116371857-A-T.
Other names: c.1336A>T, p.Ile446Phe (NM_001127500.3, NM_001324401.3); c.46A>T, p.Ile16Phe (NM_001324402.2); short protein forms I16F, I446F.
Identifiers: ClinVar variation 1770242 (VCV001770242.6), dbSNP rs779022887, ClinGen allele CA368972955.